The following is an entry in ClinVar:

ClinVar aggregate classification (germline): Pathogenic/Likely pathogenic. Review status: criteria provided, multiple submitters, no conflicts (2 of 4 stars). 2 submissions from 2 submitters: Pathogenic (1); Likely pathogenic (1). Last evaluated 2025-07-27.

Conditions:
Geleophysic dysplasia 2 (GPHYSD2). Identifiers: Orphanet 2623, MedGen C3280054, MONDO:0013612, OMIM 614185.
Marfan syndrome (MFS). Also called: MARFAN SYNDROME, TYPE I; Marfan syndrome type 1; Marfan's syndrome; Marfan syndrome, classic; FBN1-Related Marfan Syndrome. Identifiers: Orphanet 284963, Orphanet 558, MedGen C0024796, MONDO:0007947, OMIM 154700.
Ectopia lentis 1, isolated, autosomal dominant (ECTOL1). Identifiers: Orphanet 1885, MedGen C3541518, MONDO:0007514, OMIM 129600.
Stiff skin syndrome (SSKS). Identifiers: Orphanet 2833, MedGen C1861456, MONDO:0008492, OMIM 184900.
Acromicric dysplasia (ACMICD). Also called: Acromicric skeletal dysplasia. Identifiers: Orphanet 969, MedGen C0265287, MONDO:0007055, OMIM 102370.
Weill-Marchesani syndrome 2, dominant. Also called: Weill-Marchesani Syndrome, Autosomal Dominant; FBN1-Related Weill-Marchesani Syndrome. Identifiers: Orphanet 2084, MedGen C1869115, MONDO:0012013, OMIM 608328.
Progeroid and marfanoid aspect-lipodystrophy syndrome. Also called: MARFANOID-PROGEROID-LIPODYSTROPHY SYNDROME; MARFANOID-PROGEROID SYNDROME; MARFAN-PROGEROID-LIPODYSTROPHY SYNDROME; Marfan lipodystrophy syndrome. Identifiers: Orphanet 300382, MedGen C4310796, MONDO:0014831, OMIM 616914.
MASS syndrome (OCTD). Also called: MASS PHENOTYPE; OVERLAP CONNECTIVE TISSUE DISEASE. Identifiers: MedGen C1858556, MONDO:0011431, OMIM 604308.
Familial thoracic aortic aneurysm and aortic dissection (TAAD). Also called: Thoracic aortic aneurysms and dissections. Identifiers: Orphanet 91387, MedGen C4707243, MONDO:0019625.

Submissions (2):

Labcorp Genetics (formerly Invitae), Labcorp
Classification: Pathogenic for Marfan syndrome; Familial thoracic aortic aneurysm and aortic dissection. Last evaluated: 2025-07-27. Review status: criteria provided, single submitter. Criteria: Invitae Variant Classification Sherloc (09022015). Collection method: clinical testing. Allele origin: germline.
Comment: This sequence change replaces cysteine, which is neutral and slightly polar, with phenylalanine, which is neutral and non-polar, at codon 136 of the FBN1 protein (p.Cys136Phe). This variant is not present in population databases (gnomAD no frequency). This missense change has been observed in individuals with Marfan syndrome (PMID: 27906200, 34550612). ClinVar contains an entry for this variant (Variation ID: 2925582). Invitae Evidence Modeling of protein sequence and biophysical properties (such as structural, functional, and spatial information, amino acid conservation, physicochemical variation, residue mobility, and thermodynamic stability) indicates that this missense variant is expected to disrupt FBN1 protein function with a positive predictive value of 95%. This variant affects a cysteine residue in the EGF-like, TGFBP or hybrid motif domains of FBN1. Cysteine residues are believed to be involved in intramolecular disulfide bridges and have been shown to be important for FBN1 protein structure (PMID: 16905551, 19349279). In addition, missense substitutions affecting cysteine residues within these domains are significantly overrepresented among patients with Marfan syndrome (PMID: 16571647, 17701892). This variant disrupts the p.Cys136 amino acid residue in FBN1. Other variant(s) that disrupt this residue have been observed in individuals with FBN1-related conditions (PMID: 18435798, 27906200; SOURCE: 33059708, internal data), which suggests that this may be a clinically significant amino acid residue. For these reasons, this variant has been classified as Pathogenic.

Juno Genomics, Hangzhou Juno Genomics, Inc
Classification: Likely pathogenic for Acromicric dysplasia; Ectopia lentis 1, isolated, autosomal dominant; Geleophysic dysplasia 2; MASS syndrome; Progeroid and marfanoid aspect-lipodystrophy syndrome; Marfan syndrome; Stiff skin syndrome; Weill-Marchesani syndrome 2, dominant. Review status: criteria provided, single submitter. Criteria: ACMG Guidelines, 2015. Collection method: clinical testing. Allele origin: germline. Affected: yes.
Comment: Absent from controls (or at extremely low frequency if recessive) in Genome Aggregation Database, Exome Sequencing Project, 1000 Genomes Project, or Exome Aggregation Consortium.;Missense variant in a gene that has a low rate of benign missense variation and where missense variants are a common mechanism of disease.;Multiple lines of computational evidence support a deleterious effect on the gene or gene product (conservation, evolutionary, splicing impact, etc).;Patient's phenotype or family history is highly specific for a disease with a single genetic etiology.;Located in a mutational hot spot and/or critical and well-established functional domain (e.g. active site of an enzyme) without benign variation.

Literature cited by the submitters: PubMed 27906200 (cited by Labcorp Genetics (formerly Invitae), Labcorp); PubMed 34550612 (cited by Labcorp Genetics (formerly Invitae), Labcorp); PubMed 16905551 (cited by Labcorp Genetics (formerly Invitae), Labcorp); PubMed 19349279 (cited by Labcorp Genetics (formerly Invitae), Labcorp); PubMed 16571647 (cited by Labcorp Genetics (formerly Invitae), Labcorp); PubMed 17701892 (cited by Labcorp Genetics (formerly Invitae), Labcorp); PubMed 18435798 (cited by Labcorp Genetics (formerly Invitae), Labcorp); PubMed 33059708 (cited by Labcorp Genetics (formerly Invitae), Labcorp).

NM_000138.5(FBN1):c.407G>T (p.Cys136Phe)

Gene: FBN1 (fibrillin 1; minus strand). Cytogenetic location: 15q21.1.
Variant type: single nucleotide variant.
Coding change: c.407G>T on transcript NM_000138.5 (MANE Select); coding-DNA position 407, G replaced by T.
Protein change: p.Cys136Phe; replaces cysteine 136 with phenylalanine.
Molecular consequence: missense variant.
Genome position (GRCh38, 1-based): chr15:48,600,174, C>A on the plus strand (G>T on the coding strand, the complement: FBN1 is on the minus strand). VCF-style: chr15-48600174-C-A. GRCh37 (hg19) VCF-style: chr15-48892371-C-A.
Other names: c.407G>T, p.Cys136Phe (NM_001406716.1, NM_001406717.1); short protein forms C136F.
Identifiers: ClinVar variation 2925582 (VCV002925582.5), dbSNP rs2505760991, ClinGen allele CA392446506.